The following is an entry in ClinVar:

NM_000135.4(FANCA):c.792+1G>C

Gene: FANCA (FA complementation group A; minus strand). Cytogenetic location: 16q24.3.
Variant type: single nucleotide variant.
Coding change: c.792+1G>C on transcript NM_000135.4 (MANE Select); the canonical splice donor site of the intron after coding-DNA position 792, G replaced by C.
Molecular consequence: splice donor variant.
Genome position (GRCh38, 1-based): chr16:89,803,258, C>G on the plus strand (G>C on the coding strand, the complement: FANCA is on the minus strand). VCF-style: chr16-89803258-C-G. GRCh37 (hg19) VCF-style: chr16-89869666-C-G.
Other names: c.792+1G>C (NM_001286167.3, NM_001018112.3); c.696+1G>C (NM_001351830.2).
Identifiers: ClinVar variation 2100916 (VCV002100916.6), dbSNP rs2143615250, ClinGen allele CA397475820.

ClinVar aggregate classification (germline): Pathogenic/Likely pathogenic. Review status: criteria provided, multiple submitters, no conflicts (2 of 4 stars). 3 submissions from 3 submitters: Pathogenic (2); Likely pathogenic (1). Last evaluated 2025-07-22.

Conditions:
Fanconi anemia complementation group A (FANCA). Also called: FANCA-Related Fanconi Anemia; Fanconi anemia, group A. Identifiers: Orphanet 84, MedGen C3469521, MONDO:0009215, OMIM 227650.
Fanconi anemia (FA). Also called: Fanconi's anemia. Identifiers: Orphanet 84, MedGen C0015625, MeSH D005199, MONDO:0019391.

Submissions (3):

Myriad Genetics, Inc.
Classification: Likely pathogenic for Fanconi anemia complementation group A. Last evaluated: 2025-07-22. Review status: criteria provided, single submitter. Criteria: Myriad Autosomal Dominant, Autosomal Recessive and X-Linked Classification Criteria (2023). Collection method: clinical testing. Allele origin: unknown.
Comment: NM_000135.2(FANCA):c.792+1G>C is a variant in a canonical splice site classified as likely pathogenic in the context of Fanconi anemia complementation group A. c.792+1G>C has not been observed in cases with relevant disease. Relevant functional assessments of this variant are not available in the literature. c.792+1G>C has not been observed in referenced population frequency databases. In summary, NM_000135.2(FANCA):c.792+1G>C is a variant in a canonical splice site in a gene where loss of function is a known mechanism of disease and is predicted to disrupt protein function. Please note: this variant was assessed in the context of healthy population screening.

Baylor Genetics
Classification: Pathogenic for Fanconi anemia complementation group A. Last evaluated: 2023-10-21. Review status: criteria provided, single submitter. Criteria: ACMG Guidelines, 2015. Collection method: clinical testing. Allele origin: unknown.

Labcorp Genetics (formerly Invitae), Labcorp
Classification: Pathogenic for Fanconi anemia. Last evaluated: 2022-02-21. Review status: criteria provided, single submitter. Criteria: Invitae Variant Classification Sherloc (09022015). Collection method: clinical testing. Allele origin: germline.
Comment: Disruption of this splice site has been observed in individual(s) with Fanconi anemia (PMID: 30031030). In at least one individual the data is consistent with being in trans (on the opposite chromosome) from a pathogenic variant. Studies have shown that disruption of this splice site results in skipping of exon 8 and introduces a premature termination codon (PMID: 30031030). The resulting mRNA is expected to undergo nonsense-mediated decay. For these reasons, this variant has been classified as Pathogenic. This variant is not present in population databases (gnomAD no frequency). This sequence change affects a donor splice site in intron 8 of the FANCA gene. RNA analysis indicates that disruption of this splice site induces altered splicing and may result in an absent or disrupted protein product.

Literature cited by the submitters: PubMed 30031030 (cited by Labcorp Genetics (formerly Invitae), Labcorp).